The following is an entry in ClinVar:

NM_004415.4(DSP):c.1420-2A>G

Gene: DSP (desmoplakin; plus strand). Cytogenetic location: 6p24.3.
Variant type: single nucleotide variant.
Coding change: c.1420-2A>G on transcript NM_004415.4 (MANE Select); the canonical splice acceptor site of the intron before coding-DNA position 1420, A replaced by G.
Molecular consequence: splice acceptor variant.
Genome position (GRCh38, 1-based): chr6:7,569,184, A>G. VCF-style: chr6-7569184-A-G. GRCh37 (hg19) VCF-style: chr6-7569417-A-G.
Other names: c.1420-2A>G (NM_001319034.2, NM_001008844.3).
Identifiers: ClinVar variation 2013153 (VCV002013153.4), dbSNP rs2533886766, ClinGen allele CA362677302.

ClinVar aggregate classification (germline): Likely pathogenic (1 of 4 stars; one submission).

Conditions:
Arrhythmogenic cardiomyopathy with wooly hair and keratoderma. Also called: PALMOPLANTAR KERATODERMA WITH LEFT VENTRICULAR CARDIOMYOPATHY AND WOOLLY HAIR; Carvajal syndrome; Dilated cardiomyopathy with woolly hair and keratoderma; Arrhythmogenic cardiomyopathy with woolly hair and keratoderma. Identifiers: Orphanet 65282, MedGen C1854063, MONDO:0011581, OMIM 605676.
Arrhythmogenic right ventricular dysplasia 8 (ARVD8). Also called: ARRHYTHMOGENIC RIGHT VENTRICULAR DYSPLASIA, FAMILIAL, 8; Arrhythmogenic Right Ventricular Dysplasia/Cardiomyopathy 8; ARRHYTHMOGENIC RIGHT VENTRICULAR CARDIOMYOPATHY 8. Identifiers: MedGen C1843896, MONDO:0011831, OMIM 607450.

Submission:

Labcorp Genetics (formerly Invitae), Labcorp
Classification: Likely pathogenic for Arrhythmogenic cardiomyopathy with wooly hair and keratoderma; Arrhythmogenic right ventricular dysplasia 8. Last evaluated: 2022-08-27. Review status: criteria provided, single submitter. Criteria: Invitae Variant Classification Sherloc (09022015). Collection method: clinical testing. Allele origin: germline.
Comment: Algorithms developed to predict the effect of sequence changes on RNA splicing suggest that this variant may disrupt the consensus splice site. This variant has not been reported in the literature in individuals affected with DSP-related conditions. In summary, the currently available evidence indicates that the variant is pathogenic, but additional data are needed to prove that conclusively. Therefore, this variant has been classified as Likely Pathogenic. This variant is not present in population databases (gnomAD no frequency). This sequence change affects an acceptor splice site in intron 11 of the DSP gene. It is expected to disrupt RNA splicing. Variants that disrupt the donor or acceptor splice site typically lead to a loss of protein function (PMID: 16199547), and loss-of-function variants in DSP are known to be pathogenic (PMID: 20716751, 24503780, 25227139).

Literature cited by the submitters: PubMed 16199547; PubMed 20716751; PubMed 24503780; PubMed 25227139.